The following is an entry in ClinVar:

NM_198253.3(TERT):c.2562T>G (p.Phe854Leu)

Gene: TERT (telomerase reverse transcriptase; minus strand). Cytogenetic location: 5p15.33.
Variant type: single nucleotide variant.
Coding change: c.2562T>G on transcript NM_198253.3 (MANE Select); coding-DNA position 2562, T replaced by G.
Protein change: p.Phe854Leu; replaces phenylalanine 854 with leucine.
Molecular consequence: missense variant. On other transcripts: non-coding transcript variant (2).
Genome position (GRCh38, 1-based): chr5:1,268,540, A>C on the plus strand (T>G on the coding strand, the complement: TERT is on the minus strand). VCF-style: chr5-1268540-A-C. GRCh37 (hg19) VCF-style: chr5-1268655-A-C.
Other names: c.2562T>G, p.Phe854Leu (NM_001193376.3); short protein forms F854L.
Identifiers: ClinVar variation 1336386 (VCV001336386.9), dbSNP rs2126607250, ClinGen allele CA359074301.

ClinVar aggregate classification (germline): Uncertain significance. Review status: criteria provided, multiple submitters, no conflicts (2 of 4 stars). 4 submissions from 4 submitters: Uncertain significance (4). Last evaluated 2024-07-09.

Conditions:
Dyskeratosis congenita, autosomal dominant 2. Identifiers: MedGen C3151443, MONDO:0013521, OMIM 613989.
Idiopathic Pulmonary Fibrosis. Also called: Idiopathic fibrosing alveolitis, chronic form; idiopathic fibrosing alveolitis. Identifiers: Orphanet 2032, MedGen C1800706, MeSH D054990, MONDO:0800504.
Dyskeratosis congenita. Identifiers: Orphanet 1775, MedGen C0265965, MONDO:0015780.

Allele frequency attached by ClinVar (database versions not stated): gnomAD exomes below 0.00001.

Submissions (4):

GeneDx
Classification: Uncertain significance. Last evaluated: 2024-07-09. Review status: criteria provided, single submitter. Criteria: GeneDx Variant Classification Process June 2021. Collection method: clinical testing. Allele origin: germline. Affected: yes.
Comment: Not observed at significant frequency in large population cohorts (gnomAD); In silico analysis supports that this missense variant has a deleterious effect on protein structure/function; Has not been previously published as pathogenic or benign to our knowledge

Labcorp Genetics (formerly Invitae), Labcorp
Classification: Uncertain significance for Dyskeratosis congenita, autosomal dominant 2; Idiopathic Pulmonary Fibrosis. Last evaluated: 2023-10-17. Review status: criteria provided, single submitter. Criteria: Invitae Variant Classification Sherloc (09022015). Collection method: clinical testing. Allele origin: germline.
Comment: This sequence change replaces phenylalanine, which is neutral and non-polar, with leucine, which is neutral and non-polar, at codon 854 of the TERT protein (p.Phe854Leu). This variant is not present in population databases (gnomAD no frequency). This variant has not been reported in the literature in individuals affected with TERT-related conditions. ClinVar contains an entry for this variant (Variation ID: 1336386). Algorithms developed to predict the effect of missense changes on protein structure and function output the following: SIFT: "Not Available"; PolyPhen-2: "Benign"; Align-GVGD: "Not Available". The leucine amino acid residue is found in multiple mammalian species, which suggests that this missense change does not adversely affect protein function. In summary, the available evidence is currently insufficient to determine the role of this variant in disease. Therefore, it has been classified as a Variant of Uncertain Significance.

Ambry Genetics
Classification: Uncertain significance for Dyskeratosis congenita. Last evaluated: 2023-07-27. Review status: criteria provided, single submitter. Criteria: Ambry Variant Classification Scheme 2023. Collection method: clinical testing. Allele origin: germline.
Comment: The p.F854L variant (also known as c.2562T>G), located in coding exon 9 of the TERT gene, results from a T to G substitution at nucleotide position 2562. The phenylalanine at codon 854 is replaced by leucine, an amino acid with highly similar properties. This amino acid position is conserved. In addition, this alteration is predicted to be tolerated by in silico analysis. Since supporting evidence is limited at this time, the clinical significance of this alteration remains unclear.

Genetic Services Laboratory, University of Chicago
Classification: Uncertain significance. Last evaluated: 2017-11-27. Review status: criteria provided, single submitter. Criteria: ACMG Guidelines, 2015. Collection method: clinical testing. Allele origin: germline. Affected: no.